The following is an entry in ClinVar:

ClinVar aggregate classification (germline): Uncertain significance (1 of 4 stars; one submission).

Conditions:
DPAGT1-congenital disorder of glycosylation. Also called: DPAGT1-CDG; CONGENITAL DISORDER OF GLYCOSYLATION, TYPE Ij; CDG Ij. Identifiers: Orphanet 86309, MedGen C2931004, MONDO:0011964, OMIM 608093.
Congenital myasthenic syndrome 13 (CMS13). Also called: Myasthenic syndrome, congenital, 13, with tubular aggregates; Myasthenic syndrome, congenital, with tubular aggregates 2. Identifiers: Orphanet 353327, Orphanet 590, MedGen C3553645, MONDO:0013883, OMIM 614750.

Submission:

Labcorp Genetics (formerly Invitae), Labcorp
Classification: Uncertain significance for Congenital myasthenic syndrome 13; DPAGT1-congenital disorder of glycosylation. Last evaluated: 2024-10-02. Review status: criteria provided, single submitter. Criteria: Invitae Variant Classification Sherloc (09022015). Collection method: clinical testing. Allele origin: germline.
Comment: This sequence change replaces threonine, which is neutral and polar, with serine, which is neutral and polar, at codon 142 of the DPAGT1 protein (p.Thr142Ser). This variant is not present in population databases (gnomAD no frequency). This variant has not been reported in the literature in individuals affected with DPAGT1-related conditions. Invitae Evidence Modeling of protein sequence and biophysical properties (such as structural, functional, and spatial information, amino acid conservation, physicochemical variation, residue mobility, and thermodynamic stability) indicates that this missense variant is not expected to disrupt DPAGT1 protein function with a negative predictive value of 80%. Algorithms developed to predict the effect of sequence changes on RNA splicing suggest that this variant may create or strengthen a splice site. In summary, the available evidence is currently insufficient to determine the role of this variant in disease. Therefore, it has been classified as a Variant of Uncertain Significance.

NM_001382.4(DPAGT1):c.425C>G (p.Thr142Ser)

Gene: DPAGT1 (dolichyl-phosphate N-acetylglucosaminephosphotransferase 1; minus strand). Cytogenetic location: 11q23.3.
Variant type: single nucleotide variant.
Coding change: c.425C>G on transcript NM_001382.4 (MANE Select); coding-DNA position 425, C replaced by G.
Protein change: p.Thr142Ser; replaces threonine 142 with serine.
Molecular consequence: missense variant.
Genome position (GRCh38, 1-based): chr11:119,100,701, G>C on the plus strand (C>G on the coding strand, the complement: DPAGT1 is on the minus strand). VCF-style: chr11-119100701-G-C. GRCh37 (hg19) VCF-style: chr11-118971411-G-C.
Other names: short protein forms T142S.
Identifiers: ClinVar variation 2944655 (VCV002944655.3), dbSNP rs2497520667, ClinGen allele CA382915054.